The following is an entry in ClinVar:

NM_001365068.1(ASTN2):c.3080A>G (p.Lys1027Arg)

Gene: ASTN2 (astrotactin 2; minus strand). Cytogenetic location: 9q33.1.
Variant type: single nucleotide variant.
Coding change: c.3080A>G on transcript NM_001365068.1 (MANE Select); coding-DNA position 3080, A replaced by G.
Protein change: p.Lys1027Arg; replaces lysine 1027 with arginine.
Molecular consequence: missense variant.
Genome position (GRCh38, 1-based): chr9:116,620,436, T>C on the plus strand (A>G on the coding strand, the complement: ASTN2 is on the minus strand). VCF-style: chr9-116620436-T-C. GRCh37 (hg19) VCF-style: chr9-119382715-T-C.
Other names: c.236A>G, p.Lys79Arg (NM_001184734.1, NM_001184735.1, NM_198187.3 and 1 more transcripts); c.3068A>G, p.Lys1023Arg (NM_001365069.1); c.2927A>G, p.Lys976Arg (NM_014010.5); c.383A>G, p.Lys128Arg (NM_198186.3); short protein forms K1023R, K1027R, K128R, K79R, K976R.
Identifiers: ClinVar variation 3345006 (VCV003345006.1).

ClinVar aggregate classification (germline): Uncertain significance (0 of 4 stars; one submission).

Conditions:
ASTN2-related disorder. Also called: ASTN2-related condition.

gnomAD v4.1: 3 of 1,614,134 alleles (0.00019%); highest among the groups gnomAD compares: Non-Finnish European, 0.00025%; no homozygotes.

Submission:

PreventionGenetics, part of Exact Sciences
Classification: Uncertain significance for ASTN2-related condition. Last evaluated: 2024-07-11. Review status: no assertion criteria provided. Collection method: clinical testing. Allele origin: germline.
Comment: The ASTN2 c.2927A>G variant is predicted to result in the amino acid substitution p.Lys976Arg. To our knowledge, this variant has not been reported in the literature or in a large population database, indicating this variant is rare. At this time, the clinical significance of this variant is uncertain due to the absence of conclusive functional and genetic evidence.